The following is an entry in ClinVar:

NM_015512.5(DNAH1):c.12566A>G (p.Lys4189Arg)

Gene: DNAH1 (dynein axonemal heavy chain 1; plus strand). Cytogenetic location: 3p21.1.
Variant type: single nucleotide variant.
Coding change: c.12566A>G on transcript NM_015512.5 (MANE Select); coding-DNA position 12566, A replaced by G.
Protein change: p.Lys4189Arg; replaces lysine 4189 with arginine.
Molecular consequence: missense variant.
Genome position (GRCh38, 1-based): chr3:52,399,669, A>G. VCF-style: chr3-52399669-A-G. GRCh37 (hg19) VCF-style: chr3-52433685-A-G.
Other names: short protein forms K4189R.
Identifiers: ClinVar variation 4813098 (VCV004813098.1).

ClinVar aggregate classification (germline): Uncertain significance (1 of 4 stars; one submission).

Conditions:
Congenital portosystemic shunt. Identifiers: Orphanet 480531, MedGen C1290495, MONDO:0018811.

gnomAD v4.1: 5 of 1,614,022 alleles (0.00031%); highest among the groups gnomAD compares: East Asian, 0.011%; no homozygotes.

Submission:

Department of Pediatrics, Graduate School of Medical Sciences, Kyushu University
Classification: Uncertain significance for Congenital portosystemic shunt. Last evaluated: 2026-02-27. Review status: criteria provided, single submitter. Criteria: ACMG Guidelines, 2015. Collection method: research. Allele origin: germline. Affected: yes.
Comment: Both variants are rare or absent in population databases such as gnomAD, and in silico prediction tools including CADD suggest potential deleterious effects. However, the relationship between this gene and CPSS has not been established. Therefore, the clinical significance of this variant is currently classified as a variant of uncertain significance (VUS).